The following is an entry in ClinVar:

ClinVar aggregate classification (germline): Uncertain significance (1 of 4 stars; one submission).

Allele frequency attached by ClinVar (database versions not stated): gnomAD exomes below 0.00001.
gnomAD v4.1: 3 of 1,614,064 alleles (0.00019%); highest among the groups gnomAD compares: Non-Finnish European, 0.00025%; no homozygotes.

Submission:

Labcorp Genetics (formerly Invitae), Labcorp
Classification: Uncertain significance. Last evaluated: 2021-08-31. Review status: criteria provided, single submitter. Criteria: Invitae Variant Classification Sherloc (09022015). Collection method: clinical testing. Allele origin: germline.
Comment: This sequence change replaces methionine with valine at codon 1899 of the PCDH15 protein (p.Met1899Val). The methionine residue is moderately conserved and there is a small physicochemical difference between methionine and valine. This variant is not present in population databases (ExAC no frequency). This variant has not been reported in the literature in individuals affected with PCDH15-related conditions. Algorithms developed to predict the effect of missense changes on protein structure and function are either unavailable or do not agree on the potential impact of this missense change (SIFT: "Tolerated"; PolyPhen-2: "Not Available"; Align-GVGD: "Class C0"). In summary, the available evidence is currently insufficient to determine the role of this variant in disease. Therefore, it has been classified as a Variant of Uncertain Significance.

NM_033056.4(PCDH15):c.5695A>G (p.Met1899Val)

Gene: PCDH15 (protocadherin related 15; minus strand). Cytogenetic location: 10q21.1.
Variant type: single nucleotide variant.
Coding change: c.5695A>G on transcript NM_033056.4 (MANE Plus Clinical); coding-DNA position 5695, A replaced by G.
Protein change: p.Met1899Val; replaces methionine 1899 with valine.
Molecular consequence: missense variant. On other transcripts: intron variant (8).
Genome position (GRCh38, 1-based): chr10:53,822,031, T>C on the plus strand (A>G on the coding strand, the complement: PCDH15 is on the minus strand). VCF-style: chr10-53822031-T-C. GRCh37 (hg19) VCF-style: chr10-55581791-T-C.
Other names: c.5716A>G, p.Met1906Val (NM_001142763.2); c.5701A>G, p.Met1901Val (NM_001142764.2); c.5488A>G, p.Met1830Val (NM_001142765.2); c.5686A>G, p.Met1896Val (NM_001142766.2); c.5575A>G, p.Met1859Val (NM_001142767.2); c.5635A>G, p.Met1879Val (NM_001142768.2); c.5626A>G, p.Met1876Val (NM_001142773.2); c.5629A>G, p.Met1877Val (NM_001354404.2); and 7 more; short protein forms M1899V, M1901V, M1876V, M1879V, M1896V, M1906V, M1859V, M1830V.
Identifiers: ClinVar variation 1464759 (VCV001464759.5), dbSNP rs1487220938, ClinGen allele CA376524421.